The following is an entry in ClinVar:

ClinVar aggregate classification (germline): Likely pathogenic (1 of 4 stars; one submission).

Allele frequency attached by ClinVar (database versions not stated): TOPMed below 0.00001.

Submission:

Centre of Medical Genetics, University Hospital Muenster
Classification: Likely pathogenic. Last evaluated: 2023-01-30. Review status: criteria provided, single submitter. Criteria: ACMG Guidelines, 2015. Collection method: clinical testing. Allele origin: unknown. Affected: yes. Observed: 1 variant allele, 1 heterozygote.
Comment: ACMG categories: PM1,PM2,PM3,PP3,BP4

NM_003172.4(SURF1):c.614G>A (p.Gly205Glu)

Gene: SURF1 (SURF1 cytochrome c oxidase assembly factor; minus strand). Cytogenetic location: 9q34.2.
Variant type: single nucleotide variant.
Coding change: c.614G>A on transcript NM_003172.4 (MANE Select); coding-DNA position 614, G replaced by A.
Protein change: p.Gly205Glu; replaces glycine 205 with glutamic acid.
Molecular consequence: missense variant.
Genome position (GRCh38, 1-based): chr9:133,352,583, C>T on the plus strand (G>A on the coding strand, the complement: SURF1 is on the minus strand). VCF-style: chr9-133352583-C-T. GRCh37 (hg19) VCF-style: chr9-136219438-C-T.
Other names: c.287G>A, p.Gly96Glu (NM_001280787.1); short protein forms G205E, G96E.
Identifiers: ClinVar variation 2430302 (VCV002430302.2), dbSNP rs1836455411, ClinGen allele CA375693894.